The following is an entry in ClinVar:

ClinVar aggregate classification (germline): Uncertain significance (1 of 4 stars; one submission).

Allele frequency attached by ClinVar (database versions not stated): gnomAD exomes below 0.00001.
gnomAD v4.1: 3 of 1,542,148 alleles (0.00019%); highest among the groups gnomAD compares: Non-Finnish European, 0.00026%; no homozygotes.

Submission:

CeGaT Center for Human Genetics Tuebingen
Classification: Uncertain significance. Last evaluated: 2023-02-01. Review status: criteria provided, single submitter. Criteria: CeGaT Center For Human Genetics Tuebingen Variant Classification Criteria Version 2. Collection method: clinical testing. Allele origin: germline. Affected: yes. Observed: 1 variant allele.
Comment: SATB1: PM2

NM_002971.6(SATB1):c.1779+681T>A

Gene: SATB1 (SATB homeobox 1; minus strand). Cytogenetic location: 3p24.3.
Variant type: single nucleotide variant.
Coding change: c.1779+681T>A on transcript NM_002971.6 (MANE Select); 681 bases into the intron after coding-DNA position 1779, T replaced by A.
Molecular consequence: intron variant. On other transcripts: splice donor variant (2).
Genome position (GRCh38, 1-based): chr3:18,351,311, A>T on the plus strand (T>A on the coding strand, the complement: SATB1 is on the minus strand). VCF-style: chr3-18351311-A-T. GRCh37 (hg19) VCF-style: chr3-18392803-A-T.
Other names: c.1779+681T>A (NM_001322874.2, NM_001322872.2, NM_001322873.2 and 2 more transcripts); c.1563+681T>A (NM_001322876.2); c.1875+2T>A (NM_001322871.2, NM_001195470.3).
Identifiers: ClinVar variation 2653612 (VCV002653612.24), dbSNP rs1374719962, ClinGen allele CA351854227.
Genomic context (GRCh38, chr3:18,351,311, plus strand): 5'-CAGGTCTTTAGGTCACCCCCTCTCTGTGTCCCTTGGTGGCATAGGTAACTGTGCCCGCTC[A>T]CCTGAGGAGCAGCACCGAGCCATGGTGCAGGGGTCGGCAGGCCTGGTAAGAAAACGCCTC-3'